The following is an entry in ClinVar:

NM_001267550.2(TTN):c.107405T>C (p.Val35802Ala)

Genes: TTN (titin; minus strand), TTN-AS1 (TTN antisense RNA 1; plus strand). Cytogenetic location: 2q31.2.
Variant type: single nucleotide variant.
Coding change: c.107405T>C on transcript NM_001267550.2 (MANE Select); coding-DNA position 107405, T replaced by C.
Protein change: p.Val35802Ala; replaces valine 35802 with alanine.
Molecular consequence: missense variant.
Genome position (GRCh38, 1-based): chr2:178,527,721, A>G on the plus strand (T>C on the coding strand, the complement: TTN is on the minus strand). VCF-style: chr2-178527721-A-G. GRCh37 (hg19) VCF-style: chr2-179392448-A-G.
Other names: c.80210T>C, p.Val26737Ala (NM_003319.4); c.99701T>C, p.Val33234Ala (NM_133378.4); c.80585T>C, p.Val26862Ala (NM_133432.3); c.80786T>C, p.Val26929Ala (NM_133437.4); c.102482T>C, p.Val34161Ala (NM_001256850.1); short protein forms V33234A, V26737A, V26929A, V35802A, V26862A, V34161A.
Identifiers: ClinVar variation 2923887 (VCV002923887.3), dbSNP rs377045727, ClinGen allele CA349401069.

ClinVar aggregate classification (germline): Uncertain significance (1 of 4 stars; one submission).

Conditions:
Dilated cardiomyopathy 1G (CMD1G). Identifiers: Orphanet 154, MedGen C1858763, MONDO:0011400, OMIM 604145.
Autosomal recessive limb-girdle muscular dystrophy type 2J (LGMDR10). Also called: Limb-girdle muscular dystrophy, type 2J; MUSCULAR DYSTROPHY, LIMB-GIRDLE, AUTOSOMAL RECESSIVE 10. Identifiers: Orphanet 140922, MedGen C1837342, MONDO:0012127, OMIM 608807.

Allele frequency attached by ClinVar (database versions not stated): gnomAD exomes below 0.00001.
gnomAD v4.1: 4 of 1,606,586 alleles (0.00025%); highest among the groups gnomAD compares: African/African-American, 0.0013%; no homozygotes.

Submission:

Labcorp Genetics (formerly Invitae), Labcorp
Classification: Uncertain significance for Dilated cardiomyopathy 1G; Autosomal recessive limb-girdle muscular dystrophy type 2J. Last evaluated: 2024-05-25. Review status: criteria provided, single submitter. Criteria: Invitae Variant Classification Sherloc (09022015). Collection method: clinical testing. Allele origin: germline.
Comment: This sequence change replaces valine, which is neutral and non-polar, with alanine, which is neutral and non-polar, at codon 35802 of the TTN protein (p.Val35802Ala). This variant is not present in population databases (gnomAD no frequency). This variant has not been reported in the literature in individuals affected with TTN-related conditions. Experimental studies and prediction algorithms are not available or were not evaluated, and the functional significance of this variant is currently unknown. In summary, the available evidence is currently insufficient to determine the role of this variant in disease. Therefore, it has been classified as a Variant of Uncertain Significance.